The following is an entry in ClinVar:

NM_000426.4(LAMA2):c.194T>A (p.Met65Lys)

Gene: LAMA2 (laminin subunit alpha 2; plus strand). Cytogenetic location: 6q22.33.
Variant type: single nucleotide variant.
Coding change: c.194T>A on transcript NM_000426.4 (MANE Select); coding-DNA position 194, T replaced by A.
Protein change: p.Met65Lys; replaces methionine 65 with lysine.
Molecular consequence: missense variant.
Genome position (GRCh38, 1-based): chr6:129,049,999, T>A. VCF-style: chr6-129049999-T-A. GRCh37 (hg19) VCF-style: chr6-129371144-T-A.
Other names: c.194T>A, p.Met65Lys (NM_001079823.2); short protein forms M65K.
Identifiers: ClinVar variation 1377321 (VCV001377321.4), dbSNP rs886061041, ClinGen allele CA365828558.
Genomic context (GRCh38, chr6:129,049,999, plus strand): 5'-ATCTTGCTTCTAATGCTCTTATCACGACCAATGCAACATGTGGAGAAAAAGGACCTGAAA[T>A]GTACTGCAAATTGGTAGAACATGTCCCTGGGCAGCCTGTGAGGAACCCGCAGTGTCGAAT-3'
Protein context (NP_000417.3, residues 55-75): NATCGEKGPE[Met65Lys]YCKLVEHVPG

ClinVar aggregate classification (germline): Uncertain significance (1 of 4 stars; one submission).

Conditions:
LAMA2-related muscular dystrophy (LAMA2-RD). Also called: Laminin alpha 2-related dystrophy. Identifiers: MedGen C5679788, MONDO:0100228.

gnomAD v4.1: 1 of 1,614,056 alleles (0.000062%); no homozygotes.

Submission:

Labcorp Genetics (formerly Invitae), Labcorp
Classification: Uncertain significance for LAMA2-related muscular dystrophy. Last evaluated: 2021-08-23. Review status: criteria provided, single submitter. Criteria: Invitae Variant Classification Sherloc (09022015). Collection method: clinical testing. Allele origin: germline.
Comment: This sequence change replaces methionine with lysine at codon 65 of the LAMA2 protein (p.Met65Lys). The methionine residue is moderately conserved and there is a moderate physicochemical difference between methionine and lysine. This variant is not present in population databases (ExAC no frequency). This variant has not been reported in the literature in individuals affected with LAMA2-related conditions. Advanced modeling of protein sequence and biophysical properties (such as structural, functional, and spatial information, amino acid conservation, physicochemical variation, residue mobility, and thermodynamic stability) performed at Invitae indicates that this missense variant is not expected to disrupt LAMA2 protein function. In summary, the available evidence is currently insufficient to determine the role of this variant in disease. Therefore, it has been classified as a Variant of Uncertain Significance.